The following is an entry in ClinVar:

ClinVar aggregate classification (germline): Uncertain significance. Review status: criteria provided, multiple submitters, no conflicts (2 of 4 stars). 2 submissions from 2 submitters: Uncertain significance (2). Last evaluated 2022-01-20.

Conditions:
Atrial fibrillation, familial, 7 (ATFB7). Identifiers: MedGen C2677106, MONDO:0012828, OMIM 612240.

Allele frequency attached by ClinVar (database versions not stated): gnomAD exomes 0.00001.

Submissions (2):

Fulgent Genetics
Classification: Uncertain significance for Atrial fibrillation, familial, 7. Last evaluated: 2022-01-20. Review status: criteria provided, single submitter. Criteria: ACMG Guidelines, 2015. Collection method: clinical testing. Allele origin: unknown.

Labcorp Genetics (formerly Invitae), Labcorp
Classification: Uncertain significance for Atrial fibrillation, familial, 7. Last evaluated: 2016-09-26. Review status: criteria provided, single submitter. Criteria: Invitae Variant Classification Sherloc (09022015). Collection method: clinical testing. Allele origin: germline.
Comment: In summary, this variant is a novel missense change that is not predicted to affect protein function. There is no indication that it causes disease, but the available evidence is currently insufficient to prove that conclusively. Therefore, it has been classified as a Variant of Uncertain Significance. Algorithms developed to predict the effect of missense changes on protein structure and function output the following: (SIFT: "Tolerated"; PolyPhen-2: "Benign"; Align-GVGD: "Class C0"). The valine amino acid residue is found in multiple mammalian species, suggesting that this missense change does not adversely affect protein function. These predictions have not been confirmed by published functional studies. This variant is not present in population databases (ExAC no frequency) and has not been reported in the literature in individuals with a KCNA5-related disease. This sequence change replaces isoleucine with valine at codon 252 of the KCNA5 protein (p.Ile252Val). The isoleucine residue is highly conserved and there is a small physicochemical difference between isoleucine and valine.

NM_002234.4(KCNA5):c.754A>G (p.Ile252Val)

Gene: KCNA5 (potassium voltage-gated channel subfamily A member 5; plus strand). Cytogenetic location: 12p13.32.
Variant type: single nucleotide variant.
Coding change: c.754A>G on transcript NM_002234.4 (MANE Select); coding-DNA position 754, A replaced by G.
Protein change: p.Ile252Val; replaces isoleucine 252 with valine.
Molecular consequence: missense variant.
Genome position (GRCh38, 1-based): chr12:5,044,901, A>G. VCF-style: chr12-5044901-A-G. GRCh37 (hg19) VCF-style: chr12-5154067-A-G.
Other names: short protein forms I252V.
Identifiers: ClinVar variation 469597 (VCV000469597.9), dbSNP rs1555100234, ClinGen allele CA383465088.